The following is an entry in ClinVar:

ClinVar aggregate classification (germline): Pathogenic (1 of 4 stars; one submission).

Conditions:
Muscular dystrophy-dystroglycanopathy (congenital with impaired intellectual development), type B, 2. Also called: MUSCULAR DYSTROPHY, CONGENITAL, POMT2-RELATED; Muscular dystrophy-dystroglycanopathy (congenital with intellectual disability), type B2. Identifiers: MedGen C3150416, MONDO:0013160, OMIM 613156.
Muscular dystrophy-dystroglycanopathy (congenital with brain and eye anomalies), type A2. Also called: MUSCULAR DYSTROPHY-DYSTROGLYCANOPATHY (CONGENITAL WITH BRAIN AND EYE ANOMALIES), TYPE A, 2; WALKER-WARBURG SYNDROME OR MUSCLE-EYE-BRAIN DISEASE, POMT2-RELATED. Identifiers: Orphanet 588, Orphanet 899, MedGen C3150411, MONDO:0013154, OMIM 613150.
Autosomal recessive limb-girdle muscular dystrophy type 2N. Also called: MUSCULAR DYSTROPHY-DYSTROGLYCANOPATHY, LIMB-GIRDLE, POMT2-RELATED; Muscular dystrophy-dystroglycanopathy (limb-girdle), type C, 2. Identifiers: Orphanet 206559, MedGen C3150418, MONDO:0013162, OMIM 613158.

Submission:

Labcorp Genetics (formerly Invitae), Labcorp
Classification: Pathogenic for Muscular dystrophy-dystroglycanopathy (congenital with impaired intellectual development), type B, 2; Muscular dystrophy-dystroglycanopathy (congenital with brain and eye anomalies), type A2; Autosomal recessive limb-girdle muscular dystrophy type 2N. Last evaluated: 2025-10-09. Review status: criteria provided, single submitter. Criteria: Invitae Variant Classification Sherloc (09022015). Collection method: clinical testing. Allele origin: germline.
Comment: This sequence change creates a premature translational stop signal (p.Arg40Lysfs*46) in the POMT2 gene. It is expected to result in an absent or disrupted protein product. Loss-of-function variants in POMT2 are known to be pathogenic (PMID: 15894594). This variant is not present in population databases (gnomAD no frequency). This variant has not been reported in the literature in individuals affected with POMT2-related conditions. For these reasons, this variant has been classified as Pathogenic.

Literature cited by the submitters: PubMed 15894594.

NM_013382.7(POMT2):c.118_119del (p.Arg40fs)

Gene: POMT2 (protein O-mannosyltransferase 2; minus strand). Cytogenetic location: 14q24.3.
Variant type: Microsatellite.
Coding change: c.118_119del on transcript NM_013382.7 (MANE Select); coding-DNA positions 118 to 119, 2 bases deleted (CG; older notation c.118_119delCG).
Protein change: p.Arg40fs; shifts the reading frame from arginine 40.
Molecular consequence: frameshift variant.
Genome position (GRCh38, 1-based): chr14:77,320,563-77,320,564, CG deleted on the plus strand (CG on the coding strand, the reverse complement: POMT2 is on the minus strand); deleting any 2 consecutive bases within chr14:77,320,563-77,320,567 gives the same sequence; the c. name uses the placement nearest the transcript's 3' end. VCF-style (leftmost placement, unchanged base first): chr14-77320562-TCG-T. GRCh37 (hg19) VCF-style: chr14-77786905-TCG-T.
Other names: short protein forms R40fs.
Identifiers: ClinVar variation 2922185 (VCV002922185.3), dbSNP rs2503371405, ClinGen allele CA2740097166.